The following is an entry in ClinVar:

ClinVar aggregate classification (germline): Uncertain significance (1 of 4 stars; one submission).

Submission:

Labcorp Genetics (formerly Invitae), Labcorp
Classification: Uncertain significance. Last evaluated: 2023-07-09. Review status: criteria provided, single submitter. Criteria: Invitae Variant Classification Sherloc (09022015). Collection method: clinical testing. Allele origin: germline.
Comment: In summary, the available evidence is currently insufficient to determine the role of this variant in disease. Therefore, it has been classified as a Variant of Uncertain Significance. An algorithm developed to predict the effect of missense changes on protein structure and function (PolyPhen-2) suggests that this variant is likely to be disruptive. This variant has not been reported in the literature in individuals affected with TRIM8-related conditions. This variant is not present in population databases (gnomAD no frequency). This sequence change replaces glutamic acid, which is acidic and polar, with aspartic acid, which is acidic and polar, at codon 12 of the TRIM8 protein (p.Glu12Asp).

NM_030912.3(TRIM8):c.36G>C (p.Glu12Asp)

Gene: TRIM8 (tripartite motif containing 8; plus strand). Cytogenetic location: 10q24.32.
Variant type: single nucleotide variant.
Coding change: c.36G>C on transcript NM_030912.3 (MANE Select); coding-DNA position 36, G replaced by C.
Protein change: p.Glu12Asp; replaces glutamic acid 12 with aspartic acid.
Molecular consequence: missense variant. On other transcripts: non-coding transcript variant (1).
Genome position (GRCh38, 1-based): chr10:102,644,653, G>C. VCF-style: chr10-102644653-G-C. GRCh37 (hg19) VCF-style: chr10-104404410-G-C.
Other names: c.36G>C, p.Glu12Asp (NM_001345950.1); short protein forms E12D.
Identifiers: ClinVar variation 2739457 (VCV002739457.3), dbSNP rs2492887119, ClinGen allele CA377923828.